The following is an entry in ClinVar:

NM_001080432.3(FTO):c.785T>C (p.Leu262Pro)

Gene: FTO (FTO alpha-ketoglutarate dependent dioxygenase; plus strand). Cytogenetic location: 16q12.2.
Variant type: single nucleotide variant.
Coding change: c.785T>C on transcript NM_001080432.3 (MANE Select); coding-DNA position 785, T replaced by C.
Protein change: p.Leu262Pro; replaces leucine 262 with proline.
Molecular consequence: missense variant. On other transcripts: non-coding transcript variant (1), intron variant (2).
Genome position (GRCh38, 1-based): chr16:53,844,188, T>C. VCF-style: chr16-53844188-T-C. GRCh37 (hg19) VCF-style: chr16-53878100-T-C.
Other names: c.815T>C, p.Leu272Pro (NM_001363891.2, NM_001363898.2); c.785T>C, p.Leu262Pro (NM_001363894.2, NM_001363896.2, NM_001363900.2 and 5 more transcripts); c.707T>C, p.Leu236Pro (NM_001363897.2); c.272T>C, p.Leu91Pro (NM_001363905.2); c.781+17667T>C (NM_001363899.2); c.751+17697T>C (NM_001363901.2); short protein forms L262P, L236P, L272P, L91P.
Identifiers: ClinVar variation 1408761 (VCV001408761.8), dbSNP rs148528422, ClinGen allele CA8058445.

ClinVar aggregate classification (germline): Uncertain significance. Review status: criteria provided, multiple submitters, no conflicts (2 of 4 stars). 2 submissions from 2 submitters: Uncertain significance (2). Last evaluated 2024-10-24.

Conditions:
Inborn genetic diseases. Identifiers: MedGen C0950123, MeSH D030342.

Allele frequency attached by ClinVar (database versions not stated): gnomAD 0.00001; ExAC 0.00002; gnomAD exomes 0.00002 and 0.00005; TOPMed 0.00003; ESP Exome Variant Server 0.00008.
gnomAD v4.1: 74 of 1,613,844 alleles (0.0046%); highest among the groups gnomAD compares: Non-Finnish European, 0.0063%; no homozygotes.

Submissions (2):

Labcorp Genetics (formerly Invitae), Labcorp
Classification: Uncertain significance. Last evaluated: 2024-10-24. Review status: criteria provided, single submitter. Criteria: Invitae Variant Classification Sherloc (09022015). Collection method: clinical testing. Allele origin: germline.
Comment: This sequence change replaces leucine, which is neutral and non-polar, with proline, which is neutral and non-polar, at codon 262 of the FTO protein (p.Leu262Pro). This variant is present in population databases (rs148528422, gnomAD 0.005%). This variant has not been reported in the literature in individuals affected with FTO-related conditions. ClinVar contains an entry for this variant (Variation ID: 1408761). Invitae Evidence Modeling of protein sequence and biophysical properties (such as structural, functional, and spatial information, amino acid conservation, physicochemical variation, residue mobility, and thermodynamic stability) indicates that this missense variant is not expected to disrupt FTO protein function with a negative predictive value of 80%. In summary, the available evidence is currently insufficient to determine the role of this variant in disease. Therefore, it has been classified as a Variant of Uncertain Significance.

Ambry Genetics
Classification: Uncertain significance for Inborn genetic diseases. Last evaluated: 2024-08-28. Review status: criteria provided, single submitter. Criteria: Ambry Variant Classification Scheme 2023. Collection method: clinical testing. Allele origin: germline.